The following is an entry in ClinVar:

NM_001366145.2(TRPM3):c.2553G>C (p.Glu851Asp)

Gene: TRPM3 (transient receptor potential cation channel subfamily M member 3; minus strand). Cytogenetic location: 9q21.12.
Variant type: single nucleotide variant.
Coding change: c.2553G>C on transcript NM_001366145.2 (MANE Select); coding-DNA position 2553, G replaced by C.
Protein change: p.Glu851Asp; replaces glutamic acid 851 with aspartic acid.
Molecular consequence: missense variant.
Genome position (GRCh38, 1-based): chr9:70,610,723, C>G on the plus strand (G>C on the coding strand, the complement: TRPM3 is on the minus strand). VCF-style: chr9-70610723-C-G. GRCh37 (hg19) VCF-style: chr9-73225639-C-G.
Other names: c.2517G>C, p.Glu839Asp (NM_001007471.4, NM_001366151.2); c.2523G>C, p.Glu841Asp (NM_001366141.2, NM_001366143.2, NM_001366149.2); c.2559G>C, p.Glu853Asp (NM_001366142.2); c.2553G>C, p.Glu851Asp (NM_001366146.2); c.2628G>C, p.Glu876Asp (NM_001366147.2, NM_001366152.2); c.2598G>C, p.Glu866Asp (NM_001366148.2); c.2487G>C, p.Glu829Asp (NM_001366150.2); c.2094G>C, p.Glu698Asp (NM_001366154.2, NM_024971.7); and 6 more; short protein forms E676D, E686D, E688D, E698D, E701D, E711D, E829D, E839D.
Identifiers: ClinVar variation 2659250 (VCV002659250.25), dbSNP rs117283138, ClinGen allele CA5078256.

ClinVar aggregate classification (germline): Benign. Review status: criteria provided, single submitter (1 of 4 stars). 2 submissions from 2 submitters: Benign (1). 1 of the submissions does not count toward it. Last evaluated 2026-09-01.

Conditions:
TRPM3-related disorder. Also called: TRPM3-related condition.

Allele frequency attached by ClinVar (database versions not stated): 1000 Genomes Project 0.00319; 1000 Genomes Project 30x 0.00359; gnomAD 0.00475; TOPMed 0.00497; ESP Exome Variant Server 0.00507; ExAC 0.00538; gnomAD exomes 0.00675.
gnomAD v4.1: 10,592 of 1,614,134 alleles (0.66%); highest among the groups gnomAD compares: Middle Eastern, 1.6%; 55 homozygotes.

Submissions (2):

CeGaT Center for Human Genetics Tuebingen
Classification: Benign. Last evaluated: 2026-09-01. Review status: criteria provided, single submitter. Criteria: CeGaT Center For Human Genetics Tuebingen Variant Classification Criteria Version 2. Collection method: clinical testing. Allele origin: germline. Affected: yes. Observed: 17 variant alleles.
Comment: TRPM3: BS1, BS2

PreventionGenetics, part of Exact Sciences
Classification: Likely benign for TRPM3-related condition. Last evaluated: 2019-02-28. Review status: no assertion criteria provided. Collection method: clinical testing. Allele origin: germline. Not counted in ClinVar's aggregate classification.
Comment: This variant is classified as likely benign based on ACMG/AMP sequence variant interpretation guidelines (Richards et al. 2015 PMID: 25741868, with internal and published modifications).